The following is an entry in ClinVar:

ClinVar aggregate classification (germline): Benign. Review status: criteria provided, single submitter (1 of 4 stars). 2 submissions from 2 submitters: Benign (1). 1 of the submissions does not count toward it. Last evaluated 2026-01-12.

Conditions:
CELSR2-related disorder. Also called: CELSR2-related condition.

Allele frequency attached by ClinVar (database versions not stated): 1000 Genomes Project 0.00160; 1000 Genomes Project 30x 0.00234; ESP Exome Variant Server 0.00292; TOPMed 0.00293; gnomAD 0.00351 and 0.00380; ExAC 0.00363; gnomAD exomes 0.00393.
gnomAD v4.1: 6,245 of 1,602,348 alleles (0.39%); highest among the groups gnomAD compares: Non-Finnish European, 0.39%; 21 homozygotes.

Submissions (2):

Labcorp Genetics (formerly Invitae), Labcorp
Classification: Benign. Last evaluated: 2026-01-12. Review status: criteria provided, single submitter. Criteria: Invitae Variant Classification Sherloc (09022015). Collection method: clinical testing. Allele origin: germline.

PreventionGenetics, part of Exact Sciences
Classification: Benign for CELSR2-related condition. Last evaluated: 2019-02-28. Review status: no assertion criteria provided. Collection method: clinical testing. Allele origin: germline. Not counted in ClinVar's aggregate classification.
Comment: This variant is classified as benign based on ACMG/AMP sequence variant interpretation guidelines (Richards et al. 2015 PMID: 25741868, with internal and published modifications).

NM_001408.3(CELSR2):c.8054+9C>T

Gene: CELSR2 (cadherin EGF LAG seven-pass G-type receptor 2; plus strand). Cytogenetic location: 1p13.3.
Variant type: single nucleotide variant.
Coding change: c.8054+9C>T on transcript NM_001408.3 (MANE Select); 9 bases into the intron after coding-DNA position 8054, C replaced by T.
Molecular consequence: intron variant.
Genome position (GRCh38, 1-based): chr1:109,272,414, C>T. VCF-style: chr1-109272414-C-T. GRCh37 (hg19) VCF-style: chr1-109815036-C-T.
Identifiers: ClinVar variation 718266 (VCV000718266.10), dbSNP rs202085579, ClinGen allele CA988440.
Genomic context (GRCh38, chr1:109,272,414, plus strand): 5'-GCACCAGTCGCTCGGGCAAGAGTCAGCCCAGCTACATCCCCTTCTTGCTGAGGTGAATCC[C>T]GGAGATGGGAGGGTGGAGGAGGGGAGGAGGGGCCCACGCATGCTGGACCCAGGCCAGCCA-3'